The following is an entry in ClinVar:

ClinVar aggregate classification (germline): Uncertain significance (1 of 4 stars; one submission).

Conditions:
Blau syndrome (BLAUS). Also called: GRANULOMATOSIS, FAMILIAL JUVENILE SYSTEMIC; GRANULOMATOSIS, FAMILIAL, BLAU TYPE; GRANULOMATOUS INFLAMMATORY ARTHRITIS, DERMATITIS, AND UVEITIS, FAMILIAL; JABS SYNDROME; ARTHROCUTANEOUVEAL GRANULOMATOSIS. Identifiers: Orphanet 90340, MedGen C5201146, MONDO:0008523, OMIM 186580.
Regional enteritis. Also called: Enteritis, Granulomatous. Identifiers: MedGen C0678202, MeSH D003424.

gnomAD v4.1: 1 of 1,613,072 alleles (0.000062%); no homozygotes.

Submission:

Labcorp Genetics (formerly Invitae), Labcorp
Classification: Uncertain significance for Regional enteritis; Blau syndrome. Last evaluated: 2021-07-17. Review status: criteria provided, single submitter. Criteria: Invitae Variant Classification Sherloc (09022015). Collection method: clinical testing. Allele origin: germline.
Comment: In summary, the available evidence is currently insufficient to determine the role of this variant in disease. Therefore, it has been classified as a Variant of Uncertain Significance. Advanced modeling of protein sequence and biophysical properties (such as structural, functional, and spatial information, amino acid conservation, physicochemical variation, residue mobility, and thermodynamic stability) performed at Invitae indicates that this missense variant is not expected to disrupt NOD2 protein function. This sequence change replaces arginine with leucine at codon 708 of the NOD2 protein (p.Arg708Leu). The arginine residue is moderately conserved and there is a moderate physicochemical difference between arginine and leucine. This variant is not present in population databases (ExAC no frequency). This variant has not been reported in the literature in individuals affected with NOD2-related conditions.

NM_001370466.1(NOD2):c.2042G>T (p.Arg681Leu)

Gene: NOD2 (nucleotide binding oligomerization domain containing 2; plus strand). Cytogenetic location: 16q12.1.
Variant type: single nucleotide variant.
Coding change: c.2042G>T on transcript NM_001370466.1 (MANE Select); coding-DNA position 2042, G replaced by T.
Protein change: p.Arg681Leu; replaces arginine 681 with leucine.
Molecular consequence: missense variant. On other transcripts: non-coding transcript variant (1).
Genome position (GRCh38, 1-based): chr16:50,712,034, G>T. VCF-style: chr16-50712034-G-T. GRCh37 (hg19) VCF-style: chr16-50745945-G-T.
Other names: c.2042G>T, p.Arg681Leu (NM_001293557.2); c.2123G>T, p.Arg708Leu (NM_022162.3); short protein forms R708L, R681L.
Identifiers: ClinVar variation 1475908 (VCV001475908.8), dbSNP rs35285618, ClinGen allele CA395870995.
Genomic context (GRCh38, chr16:50,712,034, plus strand): 5'-GCCTGCTGGCTGAGTGCCAGACATCTGAGAAGGCCCTGCTCCGGCGCCAGGCCTGTGCCC[G>T]CTGGTGTCTGGCCCGCAGCCTCCGCAAGCACTTCCACTCCATCCCGCCAGCTGCACCGGG-3'
Protein context (NP_001357395.1, residues 671-691): KALLRRQACA[Arg681Leu]WCLARSLRKH